The following is an entry in ClinVar:

NM_001130987.2(DYSF):c.2038T>A (p.Ser680Thr)

Gene: DYSF (dysferlin; plus strand). Cytogenetic location: 2p13.2.
Variant type: single nucleotide variant.
Coding change: c.2038T>A on transcript NM_001130987.2 (MANE Select); coding-DNA position 2038, T replaced by A.
Protein change: p.Ser680Thr; replaces serine 680 with threonine.
Molecular consequence: missense variant.
Genome position (GRCh38, 1-based): chr2:71,553,860, T>A. VCF-style: chr2-71553860-T-A. GRCh37 (hg19) VCF-style: chr2-71780990-T-A.
Other names: c.1987T>A, p.Ser663Thr (NM_001130455.2, NM_001130983.2); c.1942T>A, p.Ser648Thr (NM_001130976.2, NM_001130977.2); c.1984T>A, p.Ser662Thr (NM_001130978.2, NM_003494.4); c.2077T>A, p.Ser693Thr (NM_001130979.2); c.2035T>A, p.Ser679Thr (NM_001130980.2, NM_001130981.2); c.2080T>A, p.Ser694Thr (NM_001130982.2); c.1945T>A, p.Ser649Thr (NM_001130984.2, NM_001130986.2); c.2038T>A, p.Ser680Thr (NM_001130985.2); short protein forms S662T, S680T, S649T, S663T, S694T, S648T, S679T, S693T.
Identifiers: ClinVar variation 285943 (VCV000285943.15), dbSNP rs765027098, ClinGen allele CA1706030.
Genomic context (GRCh38, chr2:71,553,860, plus strand): 5'-ATTCCAGGGTGCCACTACTACTACCTACCCTGGGGTAACGTGAAACCTGTGGTGGTGCTG[T>A]CATCCTACTGGGAGGACATCAGCCATAGAATCGAGACTCAGAACCAGCTGCTTGGGATTG-3'
Protein context (NP_001124459.1, residues 670-690): WGNVKPVVVL[Ser680Thr]SYWEDISHRI

ClinVar aggregate classification (germline): Uncertain significance. Review status: criteria provided, multiple submitters, no conflicts (2 of 4 stars). 5 submissions from 5 submitters: Uncertain significance (4). 1 of the submissions does not count toward it. Last evaluated 2024-11-07.

Conditions:
Neuromuscular disease caused by qualitative or quantitative defects of dysferlin. Also called: Dysferlinopathy; Qualitative or quantitative defects of dysferlin. Identifiers: Orphanet 207073, MedGen C2931687, MONDO:0016145.
Inborn genetic diseases. Identifiers: MedGen C0950123, MeSH D030342.
Autosomal recessive limb-girdle muscular dystrophy type 2B (LGMDR2). Also called: MUSCULAR DYSTROPHY, LIMB-GIRDLE, TYPE 3; Limb-Girdle Muscular Dystrophy Type 2B (LGMD2B); Limb-girdle muscular dystrophy, type 2B; MUSCULAR DYSTROPHY, LIMB-GIRDLE, AUTOSOMAL RECESSIVE 2. Identifiers: Orphanet 268, MedGen C1850889, MONDO:0009676, OMIM 253601.

Allele frequency attached by ClinVar (database versions not stated): ExAC 0.00001; TOPMed 0.00001; gnomAD exomes 0.00002; gnomAD 0.00003.
gnomAD v4.1: 34 of 1,612,388 alleles (0.0021%); highest among the groups gnomAD compares: African/African-American, 0.004%; no homozygotes.

Submissions (5):

Ambry Genetics
Classification: Uncertain significance for Inborn genetic diseases. Last evaluated: 2024-11-07. Review status: criteria provided, single submitter. Criteria: Ambry Variant Classification Scheme 2023. Collection method: clinical testing. Allele origin: germline.

Revvity Omics, Revvity
Classification: Uncertain significance. Last evaluated: 2022-05-06. Review status: criteria provided, single submitter. Criteria: ACMG Guidelines, 2015. Collection method: clinical testing. Allele origin: germline.

Labcorp Genetics (formerly Invitae), Labcorp
Classification: Uncertain significance for Neuromuscular disease caused by qualitative or quantitative defects of dysferlin. Last evaluated: 2021-08-26. Review status: criteria provided, single submitter. Criteria: Invitae Variant Classification Sherloc (09022015). Collection method: clinical testing. Allele origin: germline.
Comment: This sequence change replaces serine with threonine at codon 662 of the DYSF protein (p.Ser662Thr). The serine residue is moderately conserved and there is a small physicochemical difference between serine and threonine. This variant is present in population databases (rs765027098, ExAC 0.002%). This variant has not been reported in the literature in individuals affected with DYSF-related conditions. ClinVar contains an entry for this variant (Variation ID: 285943). Algorithms developed to predict the effect of missense changes on protein structure and function (SIFT, PolyPhen-2, Align-GVGD) all suggest that this variant is likely to be tolerated. In summary, the available evidence is currently insufficient to determine the role of this variant in disease. Therefore, it has been classified as a Variant of Uncertain Significance.

Eurofins Ntd Llc (ga)
Classification: Uncertain significance. Last evaluated: 2016-01-25. Review status: criteria provided, single submitter. Criteria: EGL Classification Definitions 2015. Collection method: clinical testing. Allele origin: germline. Observed: 1 variant allele, 1 heterozygote.

Natera, Inc.
Classification: Uncertain significance for Limb-girdle muscular dystrophy type 2B. Last evaluated: 2020-09-16. Review status: no assertion criteria provided. Collection method: clinical testing. Allele origin: germline. Not counted in ClinVar's aggregate classification.